The following is an entry in ClinVar:

NM_000110.4(DPYD):c.2767-1G>A

Gene: DPYD (dihydropyrimidine dehydrogenase; minus strand). Cytogenetic location: 1p21.3.
Variant type: single nucleotide variant.
Coding change: c.2767-1G>A on transcript NM_000110.4 (MANE Select); the canonical splice acceptor site of the intron before coding-DNA position 2767, G replaced by A.
Molecular consequence: splice acceptor variant.
Genome position (GRCh38, 1-based): chr1:97,082,471, C>T on the plus strand (G>A on the coding strand, the complement: DPYD is on the minus strand). VCF-style: chr1-97082471-C-T. GRCh37 (hg19) VCF-style: chr1-97548027-C-T.
Identifiers: ClinVar variation 429794 (VCV000429794.6), dbSNP rs377221676, ClinGen allele CA27458999.

ClinVar aggregate classification (germline): Likely pathogenic. Review status: criteria provided, multiple submitters, no conflicts (2 of 4 stars). 2 submissions from 2 submitters: Likely pathogenic (2). Last evaluated 2023-10-12.

Conditions:
Dihydropyrimidine dehydrogenase deficiency (DPYDD). Also called: DPD DEFICIENCY; DPYD DEFICIENCY; Hereditary Thymine-Uraciluria. Identifiers: Orphanet 1675, MedGen C1959620, MONDO:0010130, OMIM 274270.

Allele frequency attached by ClinVar (database versions not stated): TOPMed below 0.00001; gnomAD 0.00001; gnomAD exomes 0.00001; ESP Exome Variant Server 0.00008.
gnomAD v4.1: 16 of 1,613,072 alleles (0.00099%); highest among the groups gnomAD compares: Non-Finnish European, 0.0014%; no homozygotes.

Submissions (2):

Baylor Genetics
Classification: Likely pathogenic for Dihydropyrimidine dehydrogenase deficiency. Last evaluated: 2023-10-12. Review status: criteria provided, single submitter. Criteria: ACMG Guidelines, 2015. Collection method: clinical testing. Allele origin: unknown.

GeneDx
Classification: Likely pathogenic. Last evaluated: 2023-07-24. Review status: criteria provided, single submitter. Criteria: GeneDx Variant Classification Process June 2021. Collection method: clinical testing. Allele origin: germline. Affected: yes.
Comment: Canonical splice site variant predicted to result in an in-frame loss of the adjacent exon in a gene for which loss of function is a known mechanism of disease; Not observed at significant frequency in large population cohorts (gnomAD); Has not been previously published as pathogenic or benign to our knowledge